The following is an entry in ClinVar:

ClinVar aggregate classification (germline): Pathogenic (1 of 4 stars; one submission).

Conditions:
Joubert syndrome. Also called: CEREBELLOPARENCHYMAL DISORDER IV; JOUBERT-BOLTSHAUSER SYNDROME; Familial aplasia of the vermis. Identifiers: Orphanet 475, MedGen C5979921, MONDO:0018772.
Nephronophthisis. Also called: Juvenile Nephronophthisis. Identifiers: Orphanet 655, MedGen C0687120, MONDO:0019005, HP:0000090.
Meckel-Gruber syndrome. Also called: DYSENCEPHALIA SPLANCHNOCYSTICA; GRUBER SYNDROME; Dysencephalia splachnocystica. Identifiers: Orphanet 564, MedGen C0265215, MONDO:0018921.

Submission:

Labcorp Genetics (formerly Invitae), Labcorp
Classification: Pathogenic for Joubert syndrome; Meckel-Gruber syndrome; Nephronophthisis. Last evaluated: 2023-04-20. Review status: criteria provided, single submitter. Criteria: Invitae Variant Classification Sherloc (09022015). Collection method: clinical testing. Allele origin: germline.
Comment: This variant is not present in population databases (gnomAD no frequency). This sequence change creates a premature translational stop signal (p.Leu1637Phefs*22) in the CEP290 gene. It is expected to result in an absent or disrupted protein product. Loss-of-function variants in CEP290 are known to be pathogenic (PMID: 16909394, 17345604, 20690115). For these reasons, this variant has been classified as Pathogenic. This variant has not been reported in the literature in individuals affected with CEP290-related conditions.

Literature cited by the submitters: PubMed 16909394; PubMed 17345604; PubMed 20690115.

NM_025114.4(CEP290):c.4909_4910del (p.Leu1637fs)

Gene: CEP290 (centrosomal protein 290; minus strand). Cytogenetic location: 12q21.32.
Variant type: Microsatellite.
Coding change: c.4909_4910del on transcript NM_025114.4 (MANE Select); coding-DNA positions 4909 to 4910, 2 bases deleted (CT; older notation c.4909_4910delCT).
Protein change: p.Leu1637fs; shifts the reading frame from leucine 1637.
Molecular consequence: frameshift variant.
Genome position (GRCh38, 1-based): chr12:88,083,133-88,083,134, AG deleted on the plus strand (CT on the coding strand, the reverse complement: CEP290 is on the minus strand); deleting any 2 consecutive bases within chr12:88,083,133-88,083,138 gives the same sequence; the c. name uses the placement nearest the transcript's 3' end. VCF-style (leftmost placement, unchanged base first): chr12-88083132-AAG-A. GRCh37 (hg19) VCF-style: chr12-88476909-AAG-A.
Other names: short protein forms L1637fs.
Identifiers: ClinVar variation 2933463 (VCV002933463.3), dbSNP rs2499958555, ClinGen allele CA2575242998.